The following is an entry in ClinVar:

ClinVar aggregate classification (germline): Uncertain significance. Review status: criteria provided, multiple submitters, no conflicts (2 of 4 stars). 2 submissions from 2 submitters: Uncertain significance (2). Last evaluated 2025-06-12.

Conditions:
Inborn genetic diseases. Identifiers: MedGen C0950123, MeSH D030342.

Allele frequency attached by ClinVar (database versions not stated): gnomAD 0.00001; TOPMed 0.00001; ExAC 0.00002; gnomAD exomes 0.00004; ESP Exome Variant Server 0.00008.
gnomAD v4.1: 55 of 1,613,090 alleles (0.0034%); highest among the groups gnomAD compares: Non-Finnish European, 0.0044%; no homozygotes.

Submissions (2):

Labcorp Genetics (formerly Invitae), Labcorp
Classification: Uncertain significance. Last evaluated: 2025-06-12. Review status: criteria provided, single submitter. Criteria: Invitae Variant Classification Sherloc (09022015). Collection method: clinical testing. Allele origin: germline.
Comment: This sequence change replaces arginine, which is basic and polar, with cysteine, which is neutral and slightly polar, at codon 56 of the DGKE protein (p.Arg56Cys). This variant is present in population databases (rs373991932, gnomAD 0.005%). This variant has not been reported in the literature in individuals affected with DGKE-related conditions. ClinVar contains an entry for this variant (Variation ID: 1985910). Invitae Evidence Modeling of protein sequence and biophysical properties (such as structural, functional, and spatial information, amino acid conservation, physicochemical variation, residue mobility, and thermodynamic stability) indicates that this missense variant is not expected to disrupt DGKE protein function with a negative predictive value of 80%. In summary, the available evidence is currently insufficient to determine the role of this variant in disease. Therefore, it has been classified as a Variant of Uncertain Significance.

Ambry Genetics
Classification: Uncertain significance for Inborn genetic diseases. Last evaluated: 2021-09-17. Review status: criteria provided, single submitter. Criteria: Ambry Variant Classification Scheme 2023. Collection method: clinical testing. Allele origin: germline.

NM_003647.3(DGKE):c.166C>T (p.Arg56Cys)

Gene: DGKE (diacylglycerol kinase epsilon; plus strand). Cytogenetic location: 17q22.
Variant type: single nucleotide variant.
Coding change: c.166C>T on transcript NM_003647.3 (MANE Select); coding-DNA position 166, C replaced by T.
Protein change: p.Arg56Cys; replaces arginine 56 with cysteine.
Molecular consequence: missense variant.
Genome position (GRCh38, 1-based): chr17:56,834,961, C>T. VCF-style: chr17-56834961-C-T. GRCh37 (hg19) VCF-style: chr17-54912322-C-T.
Other names: short protein forms R56C.
Identifiers: ClinVar variation 1985910 (VCV001985910.3), dbSNP rs373991932, ClinGen allele CA8663437.